The following is an entry in ClinVar:

NM_018062.4(FANCL):c.967G>T (p.Val323Leu)

Gene: FANCL (FA complementation group L; minus strand). Cytogenetic location: 2p16.1.
Variant type: single nucleotide variant.
Coding change: c.967G>T on transcript NM_018062.4 (MANE Select); coding-DNA position 967, G replaced by T.
Protein change: p.Val323Leu; replaces valine 323 with leucine.
Molecular consequence: missense variant.
Genome position (GRCh38, 1-based): chr2:58,161,575, C>A on the plus strand (G>T on the coding strand, the complement: FANCL is on the minus strand). VCF-style: chr2-58161575-C-A. GRCh37 (hg19) VCF-style: chr2-58388710-C-A.
Other names: c.982G>T, p.Val328Leu (NM_001114636.2); c.1012G>T, p.Val338Leu (NM_001374615.1); c.1027G>T, p.Val343Leu (NM_001410792.1); short protein forms V328L, V323L, V338L, V343L.
Identifiers: ClinVar variation 408225 (VCV000408225.9), dbSNP rs763057392, ClinGen allele CA16610977.

ClinVar aggregate classification (germline): Uncertain significance (1 of 4 stars; one submission).

Conditions:
Fanconi anemia (FA). Also called: Fanconi's anemia. Identifiers: Orphanet 84, MedGen C0015625, MeSH D005199, MONDO:0019391.

Allele frequency attached by ClinVar (database versions not stated): gnomAD exomes below 0.00001; TOPMed below 0.00001.
gnomAD v4.1: 1 of 1,611,666 alleles (0.000062%); highest among the groups gnomAD compares: East Asian, 0.0022%; no homozygotes.

Submission:

Labcorp Genetics (formerly Invitae), Labcorp
Classification: Uncertain significance for Fanconi anemia. Last evaluated: 2022-07-12. Review status: criteria provided, single submitter. Criteria: Invitae Variant Classification Sherloc (09022015). Collection method: clinical testing. Allele origin: germline.
Comment: This sequence change replaces valine, which is neutral and non-polar, with leucine, which is neutral and non-polar, at codon 323 of the FANCL protein (p.Val323Leu). This variant is present in population databases (no rsID available, gnomAD 0.006%). This variant has not been reported in the literature in individuals affected with FANCL-related conditions. ClinVar contains an entry for this variant (Variation ID: 408225). Algorithms developed to predict the effect of missense changes on protein structure and function are either unavailable or do not agree on the potential impact of this missense change (SIFT: "Tolerated"; PolyPhen-2: "Possibly Damaging"; Align-GVGD: "Class C0"). In summary, the available evidence is currently insufficient to determine the role of this variant in disease. Therefore, it has been classified as a Variant of Uncertain Significance.